The following is an entry in ClinVar:

ClinVar aggregate classification (germline): Pathogenic (1 of 4 stars; one submission).

Conditions:
Peroxisome biogenesis disorder 9B. Also called: PEX7-Related Refsum Disease; PEROXISOME BIOGENESIS DISORDER, PEX7-RELATED, ATYPICAL; Refsum disease, adult, 2. Identifiers: Orphanet 773, MedGen C2749346, MONDO:0013945, OMIM 614879.

Submission:

Labcorp Genetics (formerly Invitae), Labcorp
Classification: Pathogenic for Peroxisome biogenesis disorder 9B. Last evaluated: 2023-07-25. Review status: criteria provided, single submitter. Criteria: Invitae Variant Classification Sherloc (09022015). Collection method: clinical testing. Allele origin: germline.
Comment: For these reasons, this variant has been classified as Pathogenic. This variant has not been reported in the literature in individuals affected with PEX7-related conditions. This variant is not present in population databases (gnomAD no frequency). This sequence change creates a premature translational stop signal (p.Val4Cysfs*46) in the PEX7 gene. It is expected to result in an absent or disrupted protein product. Loss-of-function variants in PEX7 are known to be pathogenic (PMID: 12325024, 12522768, 20301447).

Literature cited by the submitters: PubMed 12325024; PubMed 12522768; PubMed 20301447.

NM_000288.4(PEX7):c.10del (p.Val4fs)

Gene: PEX7 (peroxisomal biogenesis factor 7; plus strand). Cytogenetic location: 6q23.3.
Variant type: Deletion.
Coding change: c.10del on transcript NM_000288.4 (MANE Select); coding-DNA position 10, one base deleted (G; older notation c.10delG).
Protein change: p.Val4fs; shifts the reading frame from valine 4.
Molecular consequence: frameshift variant.
Genome position (GRCh38, 1-based): chr6:136,822,675, G deleted; the last of 2 consecutive G bases (chr6:136,822,674-136,822,675); deleting either gives the same sequence. VCF-style (leftmost placement, unchanged base first): chr6-136822673-CG-C. GRCh37 (hg19) VCF-style: chr6-137143811-CG-C.
Other names: short protein forms V4fs.
Identifiers: ClinVar variation 2746764 (VCV002746764.3), dbSNP rs2548068708, ClinGen allele CA2697553778.
Genomic context (GRCh38, chr6:136,822,673, plus strand): 5'-ACTCGGAACGGCTTCCGCGGCCGGGGCAGCGAGGGCCGGGGGCGGCGGGCGGGATGAGTG[CG>C]GTGTGCGGTGGAGCGGCGCGGATGCTGCGGACGCCGGGACGCCACGGCTACGCCGCCGAG-3'